The following is an entry in ClinVar:

NM_001492.6(GDF1):c.137G>C (p.Arg46Pro)

Genes: CERS1 (ceramide synthase 1; minus strand), GDF1 (growth differentiation factor 1; minus strand). Cytogenetic location: 19p13.11.
Variant type: single nucleotide variant.
Coding change: c.137G>C on transcript NM_001492.6 (MANE Select); coding-DNA position 137, G replaced by C.
Protein change: p.Arg46Pro; replaces arginine 46 with proline.
Molecular consequence: missense variant. On other transcripts: 3 prime UTR variant (2).
Genome position (GRCh38, 1-based): chr19:18,870,171, C>G on the plus strand (G>C on the coding strand, the complement: GDF1 is on the minus strand). VCF-style: chr19-18870171-C-G. GRCh37 (hg19) VCF-style: chr19-18980980-C-G.
Other names: c.*406G>C (NM_001387440.1, NM_021267.5); c.137G>C, p.Arg46Pro (NM_001387438.1); short protein forms R46P.
Identifiers: ClinVar variation 930879 (VCV000930879.3), dbSNP rs2055941159, ClinGen allele CA404863880.

ClinVar aggregate classification (germline): Uncertain significance (1 of 4 stars; one submission).

Conditions:
Congenital heart defects, multiple types, 6 (CHTD6). Identifiers: Orphanet 860, MedGen C3151221, MONDO:0013463, OMIM 613854.

Allele frequency attached by ClinVar (database versions not stated): gnomAD 0.00001.
gnomAD v4.1: 2 of 1,561,300 alleles (0.00013%); highest among the groups gnomAD compares: Non-Finnish European, 0.00017%; no homozygotes.

Submission:

Centre for Mendelian Genomics, University Medical Centre Ljubljana
Classification: Uncertain significance for Congenital heart defects, multiple types, 6. Last evaluated: 2019-03-20. Review status: criteria provided, single submitter. Criteria: ACMG Guidelines, 2015. Collection method: clinical testing. Allele origin: unknown. Affected: yes.
Comment: This variant was classified as: Uncertain significance. The available evidence on this variant's pathogenicity is insufficient or conflicting. The following ACMG criteria were applied in classifying this variant: PM2,BP4.